The following is an entry in ClinVar:

NM_032383.5(HPS3):c.1101C>G (p.Tyr367Ter)

Gene: HPS3 (HPS3 biogenesis of lysosomal organelles complex 2 subunit 1; plus strand). Cytogenetic location: 3q24.
Variant type: single nucleotide variant.
Coding change: c.1101C>G on transcript NM_032383.5 (MANE Select); coding-DNA position 1101, C replaced by G.
Protein change: p.Tyr367Ter; replaces tyrosine 367 with a stop codon.
Molecular consequence: nonsense.
Genome position (GRCh38, 1-based): chr3:149,145,484, C>G. VCF-style: chr3-149145484-C-G. GRCh37 (hg19) VCF-style: chr3-148863271-C-G.
Other names: c.606C>G, p.Tyr202Ter (NM_001308258.2); short protein forms Y202*, Y367*.
Identifiers: ClinVar variation 853956 (VCV000853956.8), dbSNP rs1722736328, ClinGen allele CA354915832.
Genomic context (GRCh38, chr3:149,145,484, plus strand): 5'-CTTACCTCATGTGGGCTATCTCTACATGGTTGTCAAATCTGTTGAATTGATGTCAGTCTA[C>G]CAGTATCCTGAAAAGTCTCAGCAGGCAGTACTCACGCCACAATTTTTGCACGTCATTACA-3'

ClinVar aggregate classification (germline): Pathogenic. Review status: criteria provided, multiple submitters, no conflicts (2 of 4 stars). 2 submissions from 2 submitters: Pathogenic (2). Last evaluated 2024-05-08.

Conditions:
Hermansky-Pudlak syndrome 3 (HPS3). Identifiers: Orphanet 231512, Orphanet 79430, MedGen C3888001, MONDO:0013555, OMIM 614072.

Allele frequency attached by ClinVar (database versions not stated): gnomAD exomes below 0.00001.
gnomAD v4.1: 2 of 1,614,128 alleles (0.00012%); highest among the groups gnomAD compares: Non-Finnish European, 0.00017%; no homozygotes.

Submissions (2):

Myriad Genetics, Inc.
Classification: Pathogenic for Hermansky-Pudlak syndrome 3. Last evaluated: 2024-05-08. Review status: criteria provided, single submitter. Criteria: Myriad Autosomal Dominant, Autosomal Recessive and X-Linked Classification Criteria (2023). Collection method: clinical testing. Allele origin: unknown.
Comment: NM_032383.3(HPS3):c.1101C>G(Y367*) is expected to be pathogenic in the context of Hermansky-Pudlak syndrome, HPS3-related. This variant is predicted to lead to an abnormal or absent protein product due to the creation of a premature termination codon in HPS3, a gene where loss-of-function variants are known to be pathogenic. Please note: this variant was assessed in the context of healthy population screening.

Labcorp Genetics (formerly Invitae), Labcorp
Classification: Pathogenic. Last evaluated: 2019-03-16. Review status: criteria provided, single submitter. Criteria: Invitae Variant Classification Sherloc (09022015). Collection method: clinical testing. Allele origin: germline.
Comment: This sequence change creates a premature translational stop signal (p.Tyr367*) in the HPS3 gene. It is expected to result in an absent or disrupted protein product. This variant is not present in population databases (ExAC no frequency). This variant has not been reported in the literature in individuals with HPS3-related conditions. Loss-of-function variants in HPS3 are known to be pathogenic (PMID: 11590544). For these reasons, this variant has been classified as Pathogenic.

Literature cited by the submitters: PubMed 11590544 (cited by Labcorp Genetics (formerly Invitae), Labcorp).